The following is an entry in ClinVar:

ClinVar aggregate classification (germline): Uncertain significance (1 of 4 stars; one submission).

Conditions:
Malignant hyperthermia, susceptibility to, 1 (MHS1). Also called: Anesthesia related hyperthermia; Malignant hyperpyrexia; Fulminating hyperpyrexia; Pharmacogenic myopathy; RYR1-Related Malignant Hyperthermia Susceptibility; Malignant hyperthermia suceptibility 1. Identifiers: Orphanet 423, MedGen C2930980, MONDO:0007783, OMIM 145600.

Allele frequency attached by ClinVar (database versions not stated): ExAC 0.00001.
gnomAD v4.1: 2 of 1,613,772 alleles (0.00012%); highest among the groups gnomAD compares: Non-Finnish European, 0.00017%; no homozygotes.

Submission:

All of Us Research Program, National Institutes of Health
Classification: Uncertain significance for Malignant hyperthermia, susceptibility to, 1. Last evaluated: 2024-03-05. Review status: criteria provided, single submitter. Criteria: ACMG Guidelines, 2015. Collection method: clinical testing. Allele origin: germline. Inheritance: Autosomal dominant inheritance. Observed: 2 variant alleles, 2 heterozygotes.
Comment: This study involves interpretation of variants in research participants for the purpose of population health screening. Participant phenotype was not available at the time of variant classification. Additional details can be found in publication PMID: 35346344, PMCID: PMC8962531

NM_000540.3(RYR1):c.5179C>T (p.Arg1727Cys)

Gene: RYR1 (ryanodine receptor 1; plus strand). Cytogenetic location: 19q13.2.
Variant type: single nucleotide variant.
Coding change: c.5179C>T on transcript NM_000540.3 (MANE Select); coding-DNA position 5179, C replaced by T.
Protein change: p.Arg1727Cys; replaces arginine 1727 with cysteine.
Molecular consequence: missense variant.
Genome position (GRCh38, 1-based): chr19:38,485,834, C>T. VCF-style: chr19-38485834-C-T. GRCh37 (hg19) VCF-style: chr19-38976474-C-T.
Other names: c.5179C>T, p.Arg1727Cys (NM_001042723.2); short protein forms R1727C.
Identifiers: ClinVar variation 3072082 (VCV003072082.2), dbSNP rs764448031, ClinGen allele CA066734.